The following is an entry in ClinVar:

NM_152564.5(VPS13B):c.10062-3T>C

Gene: VPS13B (vacuolar protein sorting 13 homolog B; plus strand). Cytogenetic location: 8q22.2.
Variant type: single nucleotide variant.
Coding change: c.10062-3T>C on transcript NM_152564.5 (MANE Select); 3 bases into the intron before coding-DNA position 10062, T replaced by C.
Molecular consequence: intron variant.
Genome position (GRCh38, 1-based): chr8:99,853,448, T>C. VCF-style: chr8-99853448-T-C. GRCh37 (hg19) VCF-style: chr8-100865676-T-C.
Other names: c.10137-3T>C (NM_017890.5).
Identifiers: ClinVar variation 4753674 (VCV004753674.2).

ClinVar aggregate classification (germline): Conflicting classifications of pathogenicity. Review status: criteria provided, conflicting classifications (1 of 4 stars). 2 submissions from 2 submitters: Uncertain significance (1); Likely benign (1). Last evaluated 2025-07-09.

Conditions:
Cohen syndrome (COH1). Also called: PEPPER SYNDROME; Cutis verticis gyrata, retinitis pigmentosa, and sensorineural deafness. Identifiers: Orphanet 193, MedGen C0265223, MONDO:0008999, OMIM 216550.

gnomAD v4.1: 16 of 1,614,042 alleles (0.00099%); highest among the groups gnomAD compares: Non-Finnish European, 0.0014%; no homozygotes.

Submissions (2):

Labcorp Genetics (formerly Invitae), Labcorp
Classification: Uncertain significance for Cohen syndrome. Last evaluated: 2025-07-09. Review status: criteria provided, single submitter. Criteria: Invitae Variant Classification Sherloc (09022015). Collection method: clinical testing. Allele origin: germline.
Comment: This sequence change falls in intron 55 of the VPS13B gene. It does not directly change the encoded amino acid sequence of the VPS13B protein. It affects a nucleotide within the consensus splice site. This variant is present in population databases (rs373297154, gnomAD 0.0009%). This variant has not been reported in the literature in individuals affected with VPS13B-related conditions. Variants that disrupt the consensus splice site are a relatively common cause of aberrant splicing (PMID: 17576681, 9536098). Algorithms developed to predict the effect of sequence changes on RNA splicing suggest that this variant is not likely to affect RNA splicing. In summary, the available evidence is currently insufficient to determine the role of this variant in disease. Therefore, it has been classified as a Variant of Uncertain Significance.

Blueprint Genetics
Classification: Likely benign. Last evaluated: 2024-09-02. Review status: criteria provided, single submitter. Criteria: ACMG Guidelines, 2015. Collection method: clinical testing. Allele origin: germline.

Literature cited by the submitters: PubMed 17576681 (cited by Labcorp Genetics (formerly Invitae), Labcorp); PubMed 9536098 (cited by Labcorp Genetics (formerly Invitae), Labcorp).